The following is an entry in ClinVar:

ClinVar aggregate classification (germline): Conflicting classifications of pathogenicity. Review status: criteria provided, conflicting classifications (1 of 4 stars). 2 submissions from 2 submitters: Uncertain significance (1); Likely benign (1). Last evaluated 2025-08-12.

Conditions:
ATM-related disorder. Also called: ATM-related disorders; ATM-related condition.

Allele frequency attached by ClinVar (database versions not stated): 1000 Genomes Project 0.00060; 1000 Genomes Project 30x 0.00094.

Submissions (2):

PreventionGenetics, part of Exact Sciences
Classification: Likely benign for ATM-related condition. Last evaluated: 2025-08-12. Review status: criteria provided, single submitter. Criteria: ACMG Guidelines, 2015. Collection method: clinical testing. Allele origin: germline.
Comment: This variant is classified as likely benign based on ACMG/AMP sequence variant interpretation guidelines (Richards et al. 2015 PMID: 25741868, with internal and published modifications).

Genetic Services Laboratory, University of Chicago
Classification: Uncertain significance. Last evaluated: 2018-05-04. Review status: criteria provided, single submitter. Criteria: ACMG Guidelines, 2015. Collection method: clinical testing. Allele origin: germline. Affected: no.

NM_000051.3(ATM):c.-327T>C

Gene: ATM (ATM serine/threonine kinase; plus strand). Cytogenetic location: 11q22.3.
Variant type: single nucleotide variant.
Coding change: c.-327T>C on transcript NM_000051.3; 327 bases upstream of the start codon, T replaced by C.
Genome position (GRCh38, 1-based): chr11:108,222,890, T>C. VCF-style: chr11-108222890-T-C. GRCh37 (hg19) VCF-style: chr11-108093617-T-C.
Identifiers: ClinVar variation 1336095 (VCV001336095.6), dbSNP rs557572386, ClinGen allele CA228364205.